The following is an entry in ClinVar:

ClinVar aggregate classification (germline): Conflicting classifications of pathogenicity. Review status: criteria provided, conflicting classifications (1 of 4 stars). 2 submissions from 2 submitters: Uncertain significance (1); Likely benign (1). Last evaluated 2025-06-07.

Conditions:
Inborn genetic diseases. Identifiers: MedGen C0950123, MeSH D030342.

Allele frequency attached by ClinVar (database versions not stated): ExAC below 0.00001; gnomAD 0.00001; TOPMed 0.00003; gnomAD exomes 0.00007.

Submissions (2):

GeneDx
Classification: Uncertain significance. Last evaluated: 2025-06-07. Review status: criteria provided, single submitter. Criteria: GeneDx Variant Classification Process June 2021. Collection method: clinical testing. Allele origin: germline. Affected: yes.
Comment: In silico analysis supports that this missense variant has a deleterious effect on protein structure/function; Has not been previously published as pathogenic or benign to our knowledge; This variant is associated with the following publications: (PMID: 32461654, 28518168, 27694994)

Ambry Genetics
Classification: Likely benign for Inborn genetic diseases. Last evaluated: 2021-11-17. Review status: criteria provided, single submitter. Criteria: Ambry Variant Classification Scheme 2023. Collection method: clinical testing. Allele origin: germline.

Literature cited by the submitters: PubMed 28518168 (cited by Ambry Genetics); PubMed 32461654 (cited by Ambry Genetics).

NM_017721.5(CC2D1A):c.55C>T (p.Arg19Cys)

Gene: CC2D1A (coiled-coil and C2 domain containing 1A; plus strand). Cytogenetic location: 19p13.12.
Variant type: single nucleotide variant.
Coding change: c.55C>T on transcript NM_017721.5 (MANE Select); coding-DNA position 55, C replaced by T.
Protein change: p.Arg19Cys; replaces arginine 19 with cysteine.
Molecular consequence: missense variant.
Genome position (GRCh38, 1-based): chr19:13,906,496, C>T. VCF-style: chr19-13906496-C-T. GRCh37 (hg19) VCF-style: chr19-14017309-C-T.
Other names: short protein forms R19C.
Identifiers: ClinVar variation 985969 (VCV000985969.5), dbSNP rs775951098, ClinGen allele CA9244135.
Genomic context (GRCh38, chr19:13,906,496, plus strand): 5'-TTGAAGATGCACAAGAGGAAAGGACCCCCGGGACCCCCGGGCAGAGGCGCCGCGGCCGCC[C>T]GCCAGGTGAGTTTGCGCCCCACGGCCCGACCTGGGGATCCCTCCCCACCCCCGTCACTCG-3'
Protein context (NP_060191.3, residues 9-29): GPPGRGAAAA[Arg19Cys]QLGLLVDLSP